The following is an entry in ClinVar:

ClinVar aggregate classification (germline): Conflicting classifications of pathogenicity. Review status: criteria provided, conflicting classifications (1 of 4 stars). 2 submissions from 2 submitters: Uncertain significance (1); Likely benign (1). Last evaluated 2023-03-23.

Conditions:
Hereditary cancer-predisposing syndrome. Also called: Neoplastic Syndromes, Hereditary; Tumor predisposition; Hereditary neoplastic syndrome; Hereditary Cancer Syndrome. Identifiers: Orphanet 140162, MedGen C0027672, MeSH D009386, MONDO:0015356.

Submissions (2):

University of Washington Department of Laboratory Medicine, University of Washington
Classification: Likely benign for Hereditary cancer-predisposing syndrome. Last evaluated: 2023-03-23. Review status: criteria provided, single submitter. Criteria: Dines et al. (Genet Med. 2020). Collection method: curation. Allele origin: germline.
Comment: Missense variant in a coldspot region where missense variants are very unlikely to be pathogenic (PMID:31911673).

BRCA2 exon 11 coldspot. Reclassification based on statistical prior probability.

Color Diagnostics, LLC DBA Color Health
Classification: Uncertain significance for Hereditary cancer-predisposing syndrome. Last evaluated: 2019-04-13. Review status: criteria provided, single submitter. Criteria: ACMG Guidelines, 2015. Collection method: clinical testing. Allele origin: germline.

NM_000059.4(BRCA2):c.5461A>G (p.Lys1821Glu)

Gene: BRCA2 (BRCA2 DNA repair associated; plus strand). Cytogenetic location: 13q13.1.
Variant type: single nucleotide variant.
Coding change: c.5461A>G on transcript NM_000059.4 (MANE Select); coding-DNA position 5461, A replaced by G.
Protein change: p.Lys1821Glu; replaces lysine 1821 with glutamic acid.
Molecular consequence: missense variant.
Genome position (GRCh38, 1-based): chr13:32,339,816, A>G. VCF-style: chr13-32339816-A-G. GRCh37 (hg19) VCF-style: chr13-32913953-A-G.
Other names: short protein forms K1821E.
Identifiers: ClinVar variation 628820 (VCV000628820.5), dbSNP rs1566232503, ClinGen allele CA387785641.